The following is an entry in ClinVar:

NM_134261.3(RORA):c.196+63672A>G

Genes: RORA (RAR related orphan receptor A; minus strand), RORA-AS1 (RORA antisense RNA 1; plus strand). Cytogenetic location: 15q22.2.
Variant type: single nucleotide variant.
Coding change: c.196+63672A>G on transcript NM_134261.3 (MANE Select); 63672 bases into the intron after coding-DNA position 196, A replaced by G.
Molecular consequence: intron variant. On other transcripts: synonymous variant (1).
Genome position (GRCh38, 1-based): chr15:60,614,985, T>C on the plus strand (A>G on the coding strand, the complement: RORA is on the minus strand). VCF-style: chr15-60614985-T-C. GRCh37 (hg19) VCF-style: chr15-60907184-T-C.
Other names: c.180A>G, p.Gln60= (NM_002943.4); c.137+12253A>G (NM_134260.3).
Identifiers: ClinVar variation 4280938 (VCV004280938.8).

ClinVar aggregate classification (germline): Likely benign. Review status: criteria provided, multiple submitters, no conflicts (2 of 4 stars). 2 submissions from 2 submitters: Likely benign (2). Last evaluated 2025-09-01.

gnomAD v4.1: 73 of 1,613,946 alleles (0.0045%); highest among the groups gnomAD compares: Admixed American, 0.057%; no homozygotes.

Submissions (2):

CeGaT Center for Human Genetics Tuebingen
Classification: Likely benign. Last evaluated: 2025-09-01. Review status: criteria provided, single submitter. Criteria: CeGaT Center For Human Genetics Tuebingen Variant Classification Criteria Version 2. Collection method: clinical testing. Allele origin: germline. Affected: yes. Observed: 1 variant allele.
Comment: RORA: BP4, BP7

Blueprint Genetics
Classification: Likely benign. Last evaluated: 2021-01-21. Review status: criteria provided, single submitter. Criteria: ACMG Guidelines, 2015. Collection method: clinical testing. Allele origin: germline.